The following is an entry in ClinVar:

ClinVar aggregate classification (germline): Pathogenic (1 of 4 stars; one submission).

Conditions:
Walker-Warburg congenital muscular dystrophy. Also called: Muscular dystrophy-dystroglycanopathy, type A; Walker-Warburg syndrome. Identifiers: Orphanet 899, MedGen C0265221, MONDO:0000171.

Submission:

Labcorp Genetics (formerly Invitae), Labcorp
Classification: Pathogenic for Walker-Warburg congenital muscular dystrophy. Last evaluated: 2023-09-19. Review status: criteria provided, single submitter. Criteria: Invitae Variant Classification Sherloc (09022015). Collection method: clinical testing. Allele origin: germline.
Comment: For these reasons, this variant has been classified as Pathogenic. This variant disrupts a region of the FKRP protein in which other variant(s) (p.Ile478Thr) have been determined to be pathogenic (PMID: 16476814, 18639457, 19299310). This suggests that this is a clinically significant region of the protein, and that variants that disrupt it are likely to be disease-causing. This variant has not been reported in the literature in individuals affected with FKRP-related conditions. This variant is not present in population databases (gnomAD no frequency). This sequence change creates a premature translational stop signal (p.Gln447*) in the FKRP gene. While this is not anticipated to result in nonsense mediated decay, it is expected to disrupt the last 49 amino acid(s) of the FKRP protein.

Literature cited by the submitters: PubMed 16476814; PubMed 18639457; PubMed 19299310.

NM_024301.5(FKRP):c.1339C>T (p.Gln447Ter)

Gene: FKRP (fukutin related protein; plus strand). Cytogenetic location: 19q13.32.
Variant type: single nucleotide variant.
Coding change: c.1339C>T on transcript NM_024301.5 (MANE Select); coding-DNA position 1339, C replaced by T.
Protein change: p.Gln447Ter; replaces glutamine 447 with a stop codon.
Molecular consequence: nonsense.
Genome position (GRCh38, 1-based): chr19:46,756,789, C>T. VCF-style: chr19-46756789-C-T. GRCh37 (hg19) VCF-style: chr19-47260046-C-T.
Other names: c.1339C>T, p.Gln447Ter (NM_001039885.3); short protein forms Q447*.
Identifiers: ClinVar variation 2871640 (VCV002871640.3), dbSNP rs2513999258, ClinGen allele CA406497170.
Genomic context (GRCh38, chr19:46,756,789, plus strand): 5'-ATGACCAAGGACACGTGGCTGGACCACCGGCAGGATGTGGAGTTTCCCGAGCACTTCCTG[C>T]AGCCGCTGGTGCCCCTGCCCTTTGCCGGCTTCGTGGCGCAGGCGCCTAACAACTACCGCC-3'